The following is an entry in ClinVar:

ClinVar aggregate classification (germline): Uncertain significance (1 of 4 stars; one submission).

Submission:

Labcorp Genetics (formerly Invitae), Labcorp
Classification: Uncertain significance. Last evaluated: 2025-04-09. Review status: criteria provided, single submitter. Criteria: Invitae Variant Classification Sherloc (09022015). Collection method: clinical testing. Allele origin: germline.
Comment: This sequence change replaces phenylalanine, which is neutral and non-polar, with leucine, which is neutral and non-polar, at codon 99 of the RELA protein (p.Phe99Leu). This variant is not present in population databases (gnomAD no frequency). This variant has not been reported in the literature in individuals affected with RELA-related conditions. An algorithm developed to predict the effect of missense changes on protein structure and function (PolyPhen-2) suggests that this variant is likely to be tolerated. In summary, the available evidence is currently insufficient to determine the role of this variant in disease. Therefore, it has been classified as a Variant of Uncertain Significance.

NM_021975.4(RELA):c.297C>A (p.Phe99Leu)

Gene: RELA (RELA proto-oncogene, NF-kB subunit; minus strand). Cytogenetic location: 11q13.1.
Variant type: single nucleotide variant.
Coding change: c.297C>A on transcript NM_021975.4 (MANE Select); coding-DNA position 297, C replaced by A.
Protein change: p.Phe99Leu; replaces phenylalanine 99 with leucine.
Molecular consequence: missense variant.
Genome position (GRCh38, 1-based): chr11:65,661,725, G>T on the plus strand (C>A on the coding strand, the complement: RELA is on the minus strand). VCF-style: chr11-65661725-G-T. GRCh37 (hg19) VCF-style: chr11-65429196-G-T.
Other names: c.297C>A, p.Phe99Leu (NM_001145138.2, NM_001243984.2, NM_001243985.2 and 2 more transcripts); c.330C>A, p.Phe110Leu (NM_001404657.1); c.270C>A, p.Phe90Leu (NM_001404658.1); c.8C>A, p.Ser3Tyr (NM_001404661.1); c.204C>A, p.Phe68Leu (NM_001404662.1, NM_001404663.1); short protein forms F110L, F90L, F99L, S3Y, F68L.
Identifiers: ClinVar variation 4716903 (VCV004716903.1).